The following is an entry in ClinVar:

ClinVar aggregate classification (germline): Uncertain significance (1 of 4 stars; one submission).

Conditions:
Pancreatic adenocarcinoma. Identifiers: MedGen C0281361, MONDO:0006047, HP:0006725.

gnomAD v4.1: 2 of 1,526,028 alleles (0.00013%); highest among the groups gnomAD compares: Non-Finnish European, 0.00017%; no homozygotes.

Submission:

Labcorp Genetics (formerly Invitae), Labcorp
Classification: Uncertain significance for Pancreatic adenocarcinoma. Last evaluated: 2025-07-19. Review status: criteria provided, single submitter. Criteria: Invitae Variant Classification Sherloc (09022015). Collection method: clinical testing. Allele origin: germline.
Comment: This sequence change replaces threonine, which is neutral and polar, with alanine, which is neutral and non-polar, at codon 131 of the PALLD protein (p.Thr131Ala). This variant is not present in population databases (gnomAD no frequency). This variant has not been reported in the literature in individuals affected with PALLD-related conditions. ClinVar contains an entry for this variant (Variation ID: 2867123). An algorithm developed to predict the effect of missense changes on protein structure and function (PolyPhen-2) suggests that this variant is likely to be tolerated. In summary, the available evidence is currently insufficient to determine the role of this variant in disease. Therefore, it has been classified as a Variant of Uncertain Significance.

NM_001166108.2(PALLD):c.1965-12640A>G

Gene: PALLD (palladin, cytoskeletal associated protein; plus strand). Cytogenetic location: 4q32.3.
Variant type: single nucleotide variant.
Coding change: c.1965-12640A>G on transcript NM_001166108.2 (MANE Select); 12640 bases into the intron before coding-DNA position 1965, A replaced by G.
Molecular consequence: intron variant. On other transcripts: missense variant (1).
Genome position (GRCh38, 1-based): chr4:168,878,282, A>G. VCF-style: chr4-168878282-A-G. GRCh37 (hg19) VCF-style: chr4-169799433-A-G.
Other names: c.391A>G, p.Thr131Ala (NM_001166110.2); c.1965-12640A>G (NM_016081.4); c.819-12640A>G (NM_001166109.2); c.-157-12640A>G (NM_001367570.1, NM_001367568.1, NM_001367567.1 and 1 more transcripts); short protein forms T131A.
Identifiers: ClinVar variation 2867123 (VCV002867123.3), dbSNP rs1037038771, ClinGen allele CA358796582.
Genomic context (GRCh38, chr4:168,878,282, plus strand): 5'-CCGCCGCCACCACCGCCGCTCCCGAGCCCGGGACAGGCGTCCCACTGCTCGTCGCCTGCC[A>G]CCCGCTTCGGCCACAGCCAGACGCCCGCGGCCTTCCTCAGCGCTCTGCTGCCCTCGCAGC-3'